The following is an entry in ClinVar:

NM_003054.6(SLC18A2):c.185C>T (p.Thr62Met)

Gene: SLC18A2 (solute carrier family 18 member A2; plus strand). Cytogenetic location: 10q25.3.
Variant type: single nucleotide variant.
Coding change: c.185C>T on transcript NM_003054.6 (MANE Select); coding-DNA position 185, C replaced by T.
Protein change: p.Thr62Met; replaces threonine 62 with methionine.
Molecular consequence: missense variant.
Genome position (GRCh38, 1-based): chr10:117,244,034, C>T. VCF-style: chr10-117244034-C-T. GRCh37 (hg19) VCF-style: chr10-119003545-C-T.
Other names: short protein forms T62M.
Identifiers: ClinVar variation 1600113 (VCV001600113.9), dbSNP rs140529367, ClinGen allele CA5710214.

ClinVar aggregate classification (germline): Benign/Likely benign. Review status: criteria provided, multiple submitters, no conflicts (2 of 4 stars). 2 submissions from 2 submitters: Benign (1); Likely benign (1). Last evaluated 2026-08-01.

Allele frequency attached by ClinVar (database versions not stated): gnomAD exomes 0.00008 and 0.00018; TOPMed 0.00011; ExAC 0.00013; gnomAD 0.00013; ESP Exome Variant Server 0.00023.
gnomAD v4.1: 140 of 1,614,038 alleles (0.0087%); highest among the groups gnomAD compares: Admixed American, 0.01%; 1 homozygote.

Submissions (2):

CeGaT Center for Human Genetics Tuebingen
Classification: Likely benign. Last evaluated: 2026-08-01. Review status: criteria provided, single submitter. Criteria: CeGaT Center For Human Genetics Tuebingen Variant Classification Criteria Version 2. Collection method: clinical testing. Allele origin: germline. Affected: yes. Observed: 1 variant allele.
Comment: SLC18A2: BP4

Labcorp Genetics (formerly Invitae), Labcorp
Classification: Benign. Last evaluated: 2025-08-19. Review status: criteria provided, single submitter. Criteria: Invitae Variant Classification Sherloc (09022015). Collection method: clinical testing. Allele origin: germline.